The following is an entry in ClinVar:

NM_002755.4(MAP2K1):c.291+14_291+15inv

Gene: MAP2K1 (mitogen-activated protein kinase kinase 1; plus strand). Cytogenetic location: 15q22.31.
Variant type: Inversion.
Coding change: c.291+14_291+15inv on transcript NM_002755.4 (MANE Select).
Molecular consequence: intron variant.
Genome position: GRCh38 VCF-style: chr15-66435251-GA-TC. GRCh37 (hg19) VCF-style: chr15-66727589-GA-TC.
Other names: c.291+14_291+15delinsTC (NM_002755.4).
Identifiers: ClinVar variation 987855 (VCV000987855.3), ClinGen allele CA1139664040.
Genomic context (GRCh38, chr15:66,435,251, plus strand): 5'-TGTTCAAGGTCTCCCACAAGCCTTCTGGCCTGGTCATGGCCAGAAAGGTGAGTTTGCCTT[GA>TC]TTAACAGGTAATTGGATTATTTCTCAGGGTACTTAGAAGCCTGGGGACCAGGGTAGAAGG-3'

ClinVar aggregate classification (germline): Likely benign (1 of 4 stars; one submission).

Submission:

Women's Health and Genetics/Laboratory Corporation of America, LabCorp
Classification: Likely benign. Last evaluated: 2025-11-04. Review status: criteria provided, single submitter. Criteria: LabCorp Variant Classification Summary - May 2015. Collection method: clinical testing. Allele origin: germline.
Comment: Variant summary: MAP2K1 c.291+14_291+15delinsTC alters a nucleotide located at a position not widely known to affect splicing. Consensus agreement among computation tools predict no significant impact on normal splicing. However, these predictions have yet to be confirmed by functional studies. The variant was absent in 282518 control chromosomes. The available data on variant occurrences in the general population are insufficient to allow any conclusion about variant significance. To our knowledge, no occurrence of c.291+14_291+15delinsTC in individuals affected with MAP2K1-related conditions and no experimental evidence demonstrating its impact on protein function have been reported. ClinVar contains an entry for this variant (Variation ID: 987855). Based on the evidence outlined above, the variant was classified as likely benign.